The following is an entry in ClinVar:

NM_001367624.2(ZNF469):c.4659dup (p.Met1554fs)

Gene: ZNF469 (zinc finger protein 469; plus strand). Cytogenetic location: 16q24.2.
Variant type: Duplication.
Coding change: c.4659dup on transcript NM_001367624.2 (MANE Select); coding-DNA position 4659, one base duplicated (T; older notation c.4659dupT).
Protein change: p.Met1554fs; shifts the reading frame from methionine 1554.
Molecular consequence: frameshift variant.
Genome position (GRCh38, 1-based): chr16:88,432,129, T duplicated; the last of 2 consecutive T bases (chr16:88,432,128-88,432,129); duplicating either gives the same sequence. VCF-style (leftmost placement, unchanged base first): chr16-88432127-C-CT. GRCh37 (hg19) VCF-style: chr16-88498535-C-CT.
Other names: short protein forms M1554fs.
Identifiers: ClinVar variation 2751929 (VCV002751929.3), dbSNP rs1368497638, ClinGen allele CA624447605.

ClinVar aggregate classification (germline): Pathogenic (1 of 4 stars; one submission).

Submission:

Labcorp Genetics (formerly Invitae), Labcorp
Classification: Pathogenic. Last evaluated: 2023-08-11. Review status: criteria provided, single submitter. Criteria: Invitae Variant Classification Sherloc (09022015). Collection method: clinical testing. Allele origin: germline.
Comment: For these reasons, this variant has been classified as Pathogenic. This variant disrupts a region of the ZNF469 protein in which other variant(s) (p.Pro3478Argfs*22) have been determined to be pathogenic (Invitae). This suggests that this is a clinically significant region of the protein, and that variants that disrupt it are likely to be disease-causing. This variant has not been reported in the literature in individuals affected with ZNF469-related conditions. This variant is present in population databases (no rsID available, gnomAD 0.007%). This sequence change creates a premature translational stop signal (p.Met1526Tyrfs*8) in the ZNF469 gene. While this is not anticipated to result in nonsense mediated decay, it is expected to disrupt the last 2400 amino acid(s) of the ZNF469 protein.